The following is an entry in ClinVar:

ClinVar aggregate classification (germline): Benign. Review status: criteria provided, multiple submitters, no conflicts (2 of 4 stars). 4 submissions from 3 submitters: Benign (4). Last evaluated 2023-02-08.

Conditions:
Qualitative or quantitative defects of delta-sarcoglycan. Identifiers: Orphanet 207070, MedGen C5680806, MONDO:0016144.
Autosomal recessive limb-girdle muscular dystrophy type 2F (LGMDR6). Also called: MUSCULAR DYSTROPHY, LIMB-GIRDLE, AUTOSOMAL RECESSIVE 6; Muscular dystrophy limb-girdle with delta-sarcoglyan deficiency. Identifiers: Orphanet 219, MedGen C1832525, MONDO:0011028, OMIM 601287. Disease mechanism: Affects gamma-sarcoglycan and also disrupts the integrity of the entire sarcoglycan complex..
Dilated cardiomyopathy 1L (CMD1L). Identifiers: Orphanet 154, MedGen C1847667, MONDO:0011702, OMIM 606685.

Allele frequency attached by ClinVar (database versions not stated): gnomAD 0.14934 and 0.15411; TOPMed 0.16549; 1000 Genomes Project 0.18450; 1000 Genomes Project 30x 0.19160.

Submissions (4):

Genome-Nilou Lab
Classification: Benign for Autosomal recessive limb-girdle muscular dystrophy type 2F. Last evaluated: 2023-02-08. Review status: criteria provided, single submitter. Criteria: ACMG Guidelines, 2015. Collection method: clinical testing. Allele origin: germline.

Genome-Nilou Lab
Classification: Benign for Dilated cardiomyopathy 1L. Last evaluated: 2023-02-08. Review status: criteria provided, single submitter. Criteria: ACMG Guidelines, 2015. Collection method: clinical testing. Allele origin: germline.

GeneDx
Classification: Benign. Last evaluated: 2021-05-15. Review status: criteria provided, single submitter. Criteria: GeneDx Variant Classification Process June 2021. Collection method: clinical testing. Allele origin: germline. Affected: yes.

Illumina Laboratory Services, Illumina
Classification: Benign for Qualitative or quantitative defects of delta-sarcoglycan. Last evaluated: 2018-01-12. Review status: criteria provided, single submitter. Criteria: ICSL Variant Classification Criteria 13 December 2019. Collection method: clinical testing. Allele origin: germline.
Comment: This variant was observed in the ICSL laboratory as part of a predisposition screen in an ostensibly healthy population. It had not been previously curated by ICSL or reported in the Human Gene Mutation Database (HGMD: prior to June 1st, 2018), and was therefore a candidate for classification through an automated scoring system. Utilizing variant allele frequency, disease prevalence and penetrance estimates, and inheritance mode, an automated score was calculated to assess if this variant is too frequent to cause the disease. Based on the score and internal cut-off values, a variant classified as benign is not then subjected to further curation. The score for this variant resulted in a classification of benign for this disease.

NM_000337.6(SGCD):c.*5863C>T

Gene: SGCD (sarcoglycan delta; plus strand). Cytogenetic location: 5q33.3.
Variant type: single nucleotide variant.
Coding change: c.*5863C>T on transcript NM_000337.6 (MANE Select); 5863 bases downstream of the stop codon, C replaced by T.
Molecular consequence: 3 prime UTR variant.
Genome position (GRCh38, 1-based): chr5:156,765,253, C>T. VCF-style: chr5-156765253-C-T. GRCh37 (hg19) VCF-style: chr5-156192264-C-T.
Other names: c.*5863C>T (NM_001128209.2).
Identifiers: ClinVar variation 352411 (VCV000352411.8), dbSNP rs11953631, ClinGen allele CA10621055.